The following is an entry in ClinVar:

ClinVar aggregate classification (germline): Uncertain significance (1 of 4 stars; one submission).

Conditions:
Mitochondrial DNA depletion syndrome 13. Also called: FBXL4-Related Encephalomyopathic Mitochondrial DNA Depletion Syndrome; Mitochondrial DNA depletion syndrome 13 (encephalomyopathic type). Identifiers: Orphanet 369897, MedGen C3809592, MONDO:0014198, OMIM 615471.

Allele frequency attached by ClinVar (database versions not stated): gnomAD exomes below 0.00001; TOPMed below 0.00001; ESP Exome Variant Server 0.00008.
gnomAD v4.1: 1 of 1,613,668 alleles (0.000062%); highest among the groups gnomAD compares: Non-Finnish European, 0.000085%; no homozygotes.

Submission:

Wong Mito Lab, Molecular and Human Genetics, Baylor College of Medicine
Classification: Uncertain significance for Mitochondrial DNA depletion syndrome 13. Last evaluated: 2017-08-10. Review status: criteria provided, single submitter. Criteria: ACMG Guidelines, 2015. Collection method: reference population. Allele origin: germline.
Comment: The NM_012160.4:c.872T>C (NP_036292.2:p.Ile291Thr) [GRCH38: NC_000006.12:g.98905657A>G] variant in FBXL4 gene is interpretated to be a Uncertain Significance - Insufficient Evidence based on ACMG guidelines (PMID: 25741868). This variant meets one or more of the following evidence codes reported in the ACMG-guideline. PM2:This variant is absent in key population databases. PP3:Computational evidence/predictors indicate the variant has deleterious effect on FBXL4 structure, function, or protein-protein interaction. Based on this evidence code ClinGen Pathogenicity Calculator (PMID:28081714) suggested that the variant is Uncertain Significance - Insufficient Evidence.

NM_001278716.2(FBXL4):c.872T>C (p.Ile291Thr)

Gene: FBXL4 (F-box and leucine rich repeat protein 4; minus strand). Cytogenetic location: 6q16.2.
Variant type: single nucleotide variant.
Coding change: c.872T>C on transcript NM_001278716.2 (MANE Select); coding-DNA position 872, T replaced by C.
Protein change: p.Ile291Thr; replaces isoleucine 291 with threonine.
Molecular consequence: missense variant. On other transcripts: non-coding transcript variant (2).
Genome position (GRCh38, 1-based): chr6:98,905,657, A>G on the plus strand (T>C on the coding strand, the complement: FBXL4 is on the minus strand). VCF-style: chr6-98905657-A-G. GRCh37 (hg19) VCF-style: chr6-99353533-A-G.
Other names: c.872T>C, p.Ile291Thr (NM_012160.5); short protein forms I291T.
Identifiers: ClinVar variation 437646 (VCV000437646.1), dbSNP rs376597046, ClinGen allele CA16020679.
Genomic context (GRCh38, chr6:98,905,657, plus strand): 5'-CTCAGTAGTTTGCAAGTCTGTGCTAATCTACACAGGTCTGGTAGTGTAAGATGATTCAGA[A>G]TCAGCTGAATAAGCTAAATAAGACAGAGAAACCAAGATCATCAAGAGTGAAAAGCAGTAT-3'
Protein context (NP_001265645.1, residues 281-301): DKLPYELIQL[Ile291Thr]LNHLTLPDLC